The following is an entry in ClinVar:

NM_004752.4(GCM2):c.349G>A (p.Ala117Thr)

Gene: GCM2 (glial cells missing transcription factor 2; minus strand). Cytogenetic location: 6p24.2.
Variant type: single nucleotide variant.
Coding change: c.349G>A on transcript NM_004752.4 (MANE Select); coding-DNA position 349, G replaced by A.
Protein change: p.Ala117Thr; replaces alanine 117 with threonine.
Molecular consequence: missense variant.
Genome position (GRCh38, 1-based): chr6:10,876,552, C>T on the plus strand (G>A on the coding strand, the complement: GCM2 is on the minus strand). VCF-style: chr6-10876552-C-T. GRCh37 (hg19) VCF-style: chr6-10876785-C-T.
Other names: short protein forms A117T.
Identifiers: ClinVar variation 1905739 (VCV001905739.2), dbSNP rs756803427, ClinGen allele CA3634095.

ClinVar aggregate classification (germline): Uncertain significance (1 of 4 stars; one submission).

Allele frequency attached by ClinVar (database versions not stated): gnomAD 0.00001; ExAC 0.00004.

Submission:

Labcorp Genetics (formerly Invitae), Labcorp
Classification: Uncertain significance. Last evaluated: 2022-03-19. Review status: criteria provided, single submitter. Criteria: Invitae Variant Classification Sherloc (09022015). Collection method: clinical testing. Allele origin: germline.
Comment: This sequence change replaces alanine, which is neutral and non-polar, with threonine, which is neutral and polar, at codon 117 of the GCM2 protein (p.Ala117Thr). This variant is present in population databases (rs756803427, gnomAD 0.02%). This variant has not been reported in the literature in individuals affected with GCM2-related conditions. Algorithms developed to predict the effect of missense changes on protein structure and function output the following: SIFT: "Deleterious"; PolyPhen-2: "Benign"; Align-GVGD: "Class C0". The threonine amino acid residue is found in multiple mammalian species, which suggests that this missense change does not adversely affect protein function. In summary, the available evidence is currently insufficient to determine the role of this variant in disease. Therefore, it has been classified as a Variant of Uncertain Significance.